The following is an entry in ClinVar:

ClinVar aggregate classification (germline): Conflicting classifications of pathogenicity. Review status: criteria provided, conflicting classifications (1 of 4 stars). 8 submissions from 8 submitters: Uncertain significance (5); Benign (1); Likely benign (1). 1 of the submissions does not count toward it. Last evaluated 2025-12-16.

Conditions:
Hereditary nonpolyposis colorectal neoplasms. Identifiers: MedGen C0009405, MeSH D003123.
PMS2-related disorder. Also called: PMS2-related condition.
Hereditary cancer-predisposing syndrome. Also called: Tumor predisposition; Neoplastic Syndromes, Hereditary; Hereditary neoplastic syndrome; Hereditary Cancer Syndrome. Identifiers: Orphanet 140162, MedGen C0027672, MeSH D009386, MONDO:0015356.
Lynch syndrome. Identifiers: Orphanet 144, MedGen C4552100, MONDO:0005835. Disease mechanism: loss of function.

gnomAD v4.1: 2 of 1,614,102 alleles (0.00012%); no homozygotes.

Submissions (8):

Labcorp Genetics (formerly Invitae), Labcorp
Classification: Benign for Hereditary nonpolyposis colorectal neoplasms. Last evaluated: 2025-12-16. Review status: criteria provided, single submitter. Criteria: Invitae Variant Classification Sherloc (09022015). Collection method: clinical testing. Allele origin: germline.

Ambry Genetics
Classification: Likely benign for Hereditary cancer-predisposing syndrome. Last evaluated: 2025-12-10. Review status: criteria provided, single submitter. Criteria: Ambry Variant Classification Scheme 2023. Collection method: clinical testing. Allele origin: germline.

All of Us Research Program, National Institutes of Health
Classification: Uncertain significance for Lynch syndrome. Last evaluated: 2024-05-30. Review status: criteria provided, single submitter. Criteria: ACMG Guidelines, 2015. Collection method: clinical testing. Allele origin: germline. Inheritance: Autosomal dominant inheritance. Observed: 1 variant allele, 1 heterozygote.
Comment: This missense variant replaces threonine with isoleucine at codon 558 of the PMS2 protein. Computational prediction suggests that this variant may not impact protein structure and function (internally defined REVEL score threshold <= 0.5, PMID: 27666373). Splice site prediction tools suggest that this variant may not impact RNA splicing. To our knowledge, functional studies have not been reported for this variant. This variant has not been reported in individuals affected with hereditary cancer in the literature. This variant has not been identified in the general population by the Genome Aggregation Database (gnomAD). The available evidence is insufficient to determine the role of this variant in disease conclusively. Therefore, this variant is classified as a Variant of Uncertain Significance.

This study involves interpretation of variants in research participants for the purpose of population health screening. Participant phenotype was not available at the time of variant classification. Additional details can be found in publication PMID: 35346344, PMCID: PMC8962531

Blueprint Genetics
Classification: Uncertain significance. Last evaluated: 2024-03-06. Review status: criteria provided, single submitter. Criteria: ACMG Guidelines, 2015. Collection method: clinical testing. Allele origin: germline.

GeneDx
Classification: Uncertain significance. Last evaluated: 2023-08-09. Review status: criteria provided, single submitter. Criteria: GeneDx Variant Classification Process June 2021. Collection method: clinical testing. Allele origin: germline. Affected: yes.
Comment: Not observed at significant frequency in large population cohorts (gnomAD); In silico analysis supports that this missense variant does not alter protein structure/function; Has not been previously published as pathogenic or benign to our knowledge

Department of Pathology and Laboratory Medicine, Sinai Health System
Classification: Uncertain significance for Lynch syndrome. Last evaluated: 2023-02-08. Review status: criteria provided, single submitter. Criteria: ACMG Guidelines, 2015. Collection method: clinical testing. Allele origin: germline. Affected: yes.

Quest Diagnostics Nichols Institute San Juan Capistrano
Classification: Uncertain significance. Last evaluated: 2019-11-12. Review status: criteria provided, single submitter. Criteria: Quest Diagnostics criteria. Collection method: clinical testing. Allele origin: unknown.

PreventionGenetics, part of Exact Sciences
Classification: Uncertain significance for PMS2-related condition. Last evaluated: 2024-04-17. Review status: no assertion criteria provided. Collection method: clinical testing. Allele origin: germline. Not counted in ClinVar's aggregate classification.
Comment: The PMS2 c.1673C>T variant is predicted to result in the amino acid substitution p.Thr558Ile. To our knowledge, this variant has not been reported in the literature or in a large population database, indicating this variant is rare. This variant has an interpretation of uncertain in ClinVar. At this time, the clinical significance of this variant is uncertain due to the absence of conclusive functional and genetic evidence.

NM_000535.7(PMS2):c.1673C>T (p.Thr558Ile)

Gene: PMS2 (PMS1 homolog 2, mismatch repair system component; minus strand). Cytogenetic location: 7p22.1.
Variant type: single nucleotide variant.
Coding change: c.1673C>T on transcript NM_000535.7 (MANE Select); coding-DNA position 1673, C replaced by T.
Protein change: p.Thr558Ile; replaces threonine 558 with isoleucine.
Molecular consequence: missense variant. On other transcripts: non-coding transcript variant (1).
Genome position (GRCh38, 1-based): chr7:5,987,092, G>A on the plus strand (C>T on the coding strand, the complement: PMS2 is on the minus strand). VCF-style: chr7-5987092-G-A. GRCh37 (hg19) VCF-style: chr7-6026723-G-A.
Other names: c.1268C>T, p.Thr423Ile (NM_001322003.2, NM_001322004.2, NM_001322005.2 and 1 more transcripts); c.1517C>T, p.Thr506Ile (NM_001322006.2); c.1355C>T, p.Thr452Ile (NM_001322007.2, NM_001322008.2); c.1112C>T, p.Thr371Ile (NM_001322010.2); c.740C>T, p.Thr247Ile (NM_001322011.2, NM_001322012.2); c.1100C>T, p.Thr367Ile (NM_001322013.2); c.1673C>T, p.Thr558Ile (NM_001322014.2); c.1364C>T, p.Thr455Ile (NM_001322015.2); short protein forms T558I, T367I, T371I, T452I, T247I, T506I, T423I, T455I.
Identifiers: ClinVar variation 186134 (VCV000186134.21), dbSNP rs114037612, ClinGen allele CA010024.